The following is an entry in ClinVar:

NM_001374504.1(TMPRSS6):c.1228G>A (p.Ala410Thr)

Gene: TMPRSS6 (transmembrane serine protease 6; minus strand). Cytogenetic location: 22q12.3.
Variant type: single nucleotide variant.
Coding change: c.1228G>A on transcript NM_001374504.1 (MANE Select); coding-DNA position 1228, G replaced by A.
Protein change: p.Ala410Thr; replaces alanine 410 with threonine.
Molecular consequence: missense variant.
Genome position (GRCh38, 1-based): chr22:37,075,249, C>T on the plus strand (G>A on the coding strand, the complement: TMPRSS6 is on the minus strand). VCF-style: chr22-37075249-C-T. GRCh37 (hg19) VCF-style: chr22-37471289-C-T.
Other names: c.1228G>A, p.Ala410Thr (NM_001289000.2, NM_001289001.2, NM_153609.4); short protein forms A410T.
Identifiers: ClinVar variation 3369283 (VCV003369283.1).

ClinVar aggregate classification (germline): Uncertain significance (1 of 4 stars; one submission).

gnomAD v4.1: 279 of 1,613,660 alleles (0.017%); highest among the groups gnomAD compares: African/African-American, 0.13%; no homozygotes.

Submission:

GeneDx
Classification: Uncertain significance. Last evaluated: 2024-02-14. Review status: criteria provided, single submitter. Criteria: GeneDx Variant Classification Process June 2021. Collection method: clinical testing. Allele origin: germline. Affected: yes.
Comment: In silico analysis supports that this missense variant does not alter protein structure/function; Has not been previously published as pathogenic or benign to our knowledge